The following is an entry in ClinVar:

NM_031935.3(HMCN1):c.2650G>A (p.Val884Met)

Gene: HMCN1 (hemicentin 1; plus strand). Cytogenetic location: 1q31.1.
Variant type: single nucleotide variant.
Coding change: c.2650G>A on transcript NM_031935.3 (MANE Select); coding-DNA position 2650, G replaced by A.
Protein change: p.Val884Met; replaces valine 884 with methionine.
Molecular consequence: missense variant.
Genome position (GRCh38, 1-based): chr1:185,981,061, G>A. VCF-style: chr1-185981061-G-A. GRCh37 (hg19) VCF-style: chr1-185950193-G-A.
Other names: short protein forms V884M.
Identifiers: ClinVar variation 2873061 (VCV002873061.3), dbSNP rs1651597594, ClinGen allele CA343886198.

ClinVar aggregate classification (germline): Uncertain significance (1 of 4 stars; one submission).

Allele frequency attached by ClinVar (database versions not stated): gnomAD exomes below 0.00001; TOPMed 0.00001.
gnomAD v4.1: 2 of 1,600,460 alleles (0.00012%); highest among the groups gnomAD compares: African/African-American, 0.0027%; no homozygotes.

Submission:

Labcorp Genetics (formerly Invitae), Labcorp
Classification: Uncertain significance. Last evaluated: 2024-11-03. Review status: criteria provided, single submitter. Criteria: Invitae Variant Classification Sherloc (09022015). Collection method: clinical testing. Allele origin: germline.
Comment: This sequence change replaces valine, which is neutral and non-polar, with methionine, which is neutral and non-polar, at codon 884 of the HMCN1 protein (p.Val884Met). This variant is not present in population databases (gnomAD no frequency). This variant has not been reported in the literature in individuals affected with HMCN1-related conditions. ClinVar contains an entry for this variant (Variation ID: 2873061). An algorithm developed to predict the effect of missense changes on protein structure and function (PolyPhen-2) suggests that this variant is likely to be disruptive. In summary, the available evidence is currently insufficient to determine the role of this variant in disease. Therefore, it has been classified as a Variant of Uncertain Significance.